The following is an entry in ClinVar:

ClinVar aggregate classification (germline): Likely benign. Review status: criteria provided, multiple submitters, no conflicts (2 of 4 stars). 2 submissions from 2 submitters: Likely benign (2). Last evaluated 2026-08-01.

Allele frequency attached by ClinVar (database versions not stated): gnomAD 0.00003 and 0.00005; TOPMed 0.00003; gnomAD exomes 0.00004 and 0.00006; ExAC 0.00005; 1000 Genomes Project 0.00020; 1000 Genomes Project 30x 0.00031.
gnomAD v4.1: 71 of 1,613,816 alleles (0.0044%); highest among the groups gnomAD compares: Middle Eastern, 0.049%; no homozygotes.

Submissions (2):

CeGaT Center for Human Genetics Tuebingen
Classification: Likely benign. Last evaluated: 2026-08-01. Review status: criteria provided, single submitter. Criteria: CeGaT Center For Human Genetics Tuebingen Variant Classification Criteria Version 2. Collection method: clinical testing. Allele origin: germline. Affected: yes. Observed: 2 variant alleles.
Comment: PLEKHG2: BP4, BP7

Labcorp Genetics (formerly Invitae), Labcorp
Classification: Likely benign. Last evaluated: 2024-09-09. Review status: criteria provided, single submitter. Criteria: Invitae Variant Classification Sherloc (09022015). Collection method: clinical testing. Allele origin: germline.

NM_022835.3(PLEKHG2):c.570A>G (p.Thr190=)

Gene: PLEKHG2 (pleckstrin homology and RhoGEF domain containing G2; plus strand). Cytogenetic location: 19q13.2.
Variant type: single nucleotide variant.
Coding change: c.570A>G on transcript NM_022835.3 (MANE Select); coding-DNA position 570, A replaced by G.
Protein change: p.Thr190=; no amino-acid change (threonine 190 retained).
Molecular consequence: synonymous variant.
Genome position (GRCh38, 1-based): chr19:39,416,574, A>G. VCF-style: chr19-39416574-A-G. GRCh37 (hg19) VCF-style: chr19-39907214-A-G.
Other names: c.393A>G, p.Thr131= (NM_001351693.2); c.570A>G, p.Thr190= (NM_001351694.2).
Identifiers: ClinVar variation 749413 (VCV000749413.15), dbSNP rs573475595, ClinGen allele CA9429164.
Genomic context (GRCh38, chr19:39,416,574, plus strand): 5'-GGACCTGGGGTCTCCCTGACTCCCATGTCACCCGCAGAGCGAGGATTTTGACATCTACAC[A>G]TTGTACTGCATGAACTACCCGAGGTGAGGGGCAGGAGCCCCTGCTGGGCCTCAGGCTGTG-3'
Protein context (NP_073746.2, residues 180-200): VQRSEDFDIY[Thr190=]LYCMNYPSSL